The following is an entry in ClinVar:

ClinVar aggregate classification (germline): Uncertain significance. Review status: criteria provided, multiple submitters, no conflicts (2 of 4 stars). 3 submissions from 3 submitters: Uncertain significance (3). Last evaluated 2026-08-10.

Conditions:
Inborn genetic diseases. Identifiers: MedGen C0950123, MeSH D030342.
HERC2-related disorder. Also called: HERC2-related condition.

Allele frequency attached by ClinVar (database versions not stated): gnomAD exomes below 0.00001; gnomAD 0.00007; TOPMed 0.00011; 1000 Genomes Project 30x 0.00016; 1000 Genomes Project 0.00020.

Submissions (3):

PreventionGenetics, part of Exact Sciences
Classification: Uncertain significance for HERC2-related condition. Last evaluated: 2026-08-10. Review status: criteria provided, single submitter. Criteria: ACMG Guidelines, 2015. Collection method: clinical testing. Allele origin: germline.
Comment: The HERC2 c.14096C>T variant is predicted to result in the amino acid substitution p.Ser4699Leu. This variant has been reported in a developmental disorder cohort (Supplementary Data 3, Zhou et al. 2022. PubMed ID: 35982159). This variant is reported in 0.0029% of alleles in individuals of Latino descent in gnomAD. At this time, the clinical significance of this variant is uncertain due to the absence of conclusive functional and genetic evidence.

Ambry Genetics
Classification: Uncertain significance for Inborn genetic diseases. Last evaluated: 2025-07-15. Review status: criteria provided, single submitter. Criteria: Ambry Variant Classification Scheme 2023. Collection method: clinical testing. Allele origin: germline.

GeneDx
Classification: Uncertain significance. Last evaluated: 2023-04-18. Review status: criteria provided, single submitter. Criteria: GeneDx Variant Classification Process June 2021. Collection method: clinical testing. Allele origin: germline. Affected: yes.
Comment: Not observed at significant frequency in large population cohorts (gnomAD); In silico analysis supports that this missense variant has a deleterious effect on protein structure/function; Has not been previously published as pathogenic or benign to our knowledge

NM_004667.6(HERC2):c.14096C>T (p.Ser4699Leu)

Gene: HERC2 (HECT and RLD domain containing E3 ubiquitin protein ligase 2; minus strand). Cytogenetic location: 15q13.1.
Variant type: single nucleotide variant.
Coding change: c.14096C>T on transcript NM_004667.6 (MANE Select); coding-DNA position 14096, C replaced by T.
Protein change: p.Ser4699Leu; replaces serine 4699 with leucine.
Molecular consequence: missense variant.
Genome position (GRCh38, 1-based): chr15:28,113,207, G>A on the plus strand (C>T on the coding strand, the complement: HERC2 is on the minus strand). VCF-style: chr15-28113207-G-A. GRCh37 (hg19) VCF-style: chr15-28358353-G-A.
Other names: c.14096C>T (NM_004667.5); short protein forms S4699L.
Identifiers: ClinVar variation 2549816 (VCV002549816.5), dbSNP rs201971030, ClinGen allele CA267917745.